The following is an entry in ClinVar:

ClinVar aggregate classification (germline): Likely benign. Review status: criteria provided, multiple submitters, no conflicts (2 of 4 stars). 2 submissions from 2 submitters: Likely benign (2). Last evaluated 2024-06-27.

Allele frequency attached by ClinVar (database versions not stated): TOPMed below 0.00001; ExAC 0.00001.
gnomAD v4.1: 6 of 1,614,198 alleles (0.00037%); highest among the groups gnomAD compares: South Asian, 0.0066%; 1 homozygote.

Submissions (2):

Blueprint Genetics
Classification: Likely benign. Last evaluated: 2024-06-27. Review status: criteria provided, single submitter. Criteria: ACMG Guidelines, 2015. Collection method: clinical testing. Allele origin: germline.

Laboratory for Molecular Medicine, Mass General Brigham Personalized Medicine
Classification: Likely benign. Last evaluated: 2020-11-06. Review status: criteria provided, single submitter. Criteria: ACMG Guidelines, 2015. Collection method: clinical testing. Allele origin: germline.
Comment: The p.Val134Val variant in HNF1A is classified as likely benign because it does not alter an amino acid residue, is not located within the splice consensus site, and computational splice prediction tools do not predict an impact on splicing. This variant has been reported in 1 individual with maturity onset diabetes of the young (Radha 2009 PMID: 19336507) and it has been identified in 0.01% (3/30616) of South Asian chromosomes by gnomAD. ACMG/AMP Criteria applied: BP4, BP7.

NM_000545.8(HNF1A):c.402C>T (p.Val134=)

Gene: HNF1A (HNF1 homeobox A; plus strand). Cytogenetic location: 12q24.31.
Variant type: single nucleotide variant.
Coding change: c.402C>T on transcript NM_000545.8 (MANE Select); coding-DNA position 402, C replaced by T.
Protein change: p.Val134=; no amino-acid change (valine 134 retained).
Molecular consequence: synonymous variant.
Genome position (GRCh38, 1-based): chr12:120,988,908, C>T. VCF-style: chr12-120988908-C-T. GRCh37 (hg19) VCF-style: chr12-121426711-C-T.
Other names: c.402C>T, p.Val134= (NM_001306179.2, NM_001406915.1).
Identifiers: ClinVar variation 3075821 (VCV003075821.2), dbSNP rs758199396, ClinGen allele CA6831750.
Genomic context (GRCh38, chr12:120,988,908, plus strand): 5'-TGTGGCGAAGATGGTCAAGTCCTACCTGCAGCAGCACAACATCCCACAGCGGGAGGTGGT[C>T]GATACCACTGGCCTCAACCAGTCCCACCTGTCCCAACACCTCAACAAGGGCACTCCCATG-3'
Protein context (NP_000536.6, residues 124-144): QQHNIPQREV[Val134=]DTTGLNQSHL